The following is an entry in ClinVar:

ClinVar aggregate classification (germline): Uncertain significance. Review status: criteria provided, multiple submitters, no conflicts (2 of 4 stars). 2 submissions from 2 submitters: Uncertain significance (2). Last evaluated 2025-09-29.

Conditions:
Wilson disease (WND). Also called: Wilson's disease. Identifiers: Orphanet 905, MedGen C0019202, MONDO:0010200, OMIM 277900. Disease mechanism: loss of function.

Allele frequency attached by ClinVar (database versions not stated): ExAC 0.00001.

Submissions (2):

Color Diagnostics, LLC DBA Color Health
Classification: Uncertain significance for Wilson disease. Last evaluated: 2025-09-29. Review status: criteria provided, single submitter. Criteria: ACMG Guidelines, 2015. Collection method: clinical testing. Allele origin: germline.
Comment: This missense variant replaces methionine with valine at codon 1174 of the ATP7B protein. Computational prediction suggests that this variant may not impact protein structure and function. To our knowledge, functional studies have not been reported for this variant. This variant has not been reported in individuals affected with ATP7B-related disorders in the literature. This variant has been identified in 3/1461892 chromosomes in the general population by the Genome Aggregation Database (gnomAD). The available evidence is insufficient to determine the role of this variant in disease conclusively. Therefore, this variant is classified as a Variant of Uncertain Significance.

Labcorp Genetics (formerly Invitae), Labcorp
Classification: Uncertain significance for Wilson disease. Last evaluated: 2024-04-24. Review status: criteria provided, single submitter. Criteria: Invitae Variant Classification Sherloc (09022015). Collection method: clinical testing. Allele origin: germline.
Comment: This sequence change replaces methionine, which is neutral and non-polar, with valine, which is neutral and non-polar, at codon 1174 of the ATP7B protein (p.Met1174Val). This variant is present in population databases (rs750407028, gnomAD 0.0009%). This variant has not been reported in the literature in individuals affected with ATP7B-related conditions. ClinVar contains an entry for this variant (Variation ID: 1396704). Advanced modeling of protein sequence and biophysical properties (such as structural, functional, and spatial information, amino acid conservation, physicochemical variation, residue mobility, and thermodynamic stability) performed at Invitae indicates that this missense variant is not expected to disrupt ATP7B protein function with a negative predictive value of 80%. In summary, the available evidence is currently insufficient to determine the role of this variant in disease. Therefore, it has been classified as a Variant of Uncertain Significance.

NM_000053.4(ATP7B):c.3520A>G (p.Met1174Val)

Gene: ATP7B (ATPase copper transporting beta; minus strand). Cytogenetic location: 13q14.3.
Variant type: single nucleotide variant.
Coding change: c.3520A>G on transcript NM_000053.4 (MANE Select); coding-DNA position 3520, A replaced by G.
Protein change: p.Met1174Val; replaces methionine 1174 with valine.
Molecular consequence: missense variant.
Genome position (GRCh38, 1-based): chr13:51,941,117, T>C on the plus strand (A>G on the coding strand, the complement: ATP7B is on the minus strand). VCF-style: chr13-51941117-T-C. GRCh37 (hg19) VCF-style: chr13-52515253-T-C.
Other names: c.2899A>G, p.Met967Val (NM_001005918.3); c.3187A>G, p.Met1063Val (NM_001243182.2); c.3286A>G, p.Met1096Val (NM_001330578.2); c.3268A>G, p.Met1090Val (NM_001330579.2); short protein forms M1063V, M1174V, M967V, M1096V, M1090V.
Identifiers: ClinVar variation 1396704 (VCV001396704.6), dbSNP rs750407028, ClinGen allele CA6988666.